The following is an entry in ClinVar:

NM_000812.4(GABRB1):c.1087G>A (p.Ala363Thr)

Gene: GABRB1 (gamma-aminobutyric acid type A receptor subunit beta1; plus strand). Cytogenetic location: 4p12.
Variant type: single nucleotide variant.
Coding change: c.1087G>A on transcript NM_000812.4 (MANE Select); coding-DNA position 1087, G replaced by A.
Protein change: p.Ala363Thr; replaces alanine 363 with threonine.
Molecular consequence: missense variant.
Genome position (GRCh38, 1-based): chr4:47,425,680, G>A. VCF-style: chr4-47425680-G-A. GRCh37 (hg19) VCF-style: chr4-47427697-G-A.
Other names: c.1087G>A (NM_000812.3); short protein forms A363T.
Identifiers: ClinVar variation 1915444 (VCV001915444.6), dbSNP rs375590397, ClinGen allele CA2907757.
Genomic context (GRCh38, chr4:47,425,680, plus strand): 5'-AAAACAGGCAAAGGTCCTGCAACTTGTGTCCGAGCCTGTTCTTTTTGCCATCAGGTCGAC[G>A]CCCACGGTAACATTCTCCTCAGCACCCTGGAAATCCGGAATGAGACGAGTGGCTCGGAAG-3'
Protein context (NP_000803.2, residues 353-373): KLEMNKVQVD[Ala363Thr]HGNILLSTLE

ClinVar aggregate classification (germline): Uncertain significance. Review status: criteria provided, multiple submitters, no conflicts (2 of 4 stars). 2 submissions from 2 submitters: Uncertain significance (2). Last evaluated 2025-11-03.

Allele frequency attached by ClinVar (database versions not stated): ESP Exome Variant Server 0.00008.
gnomAD v4.1: 3 of 1,594,170 alleles (0.00019%); highest among the groups gnomAD compares: African/African-American, 0.0013%; no homozygotes.

Submissions (2):

Ambry Genetics
Classification: Uncertain significance. Last evaluated: 2025-11-03. Review status: criteria provided, single submitter. Criteria: Ambry Variant Classification Scheme 2023. Collection method: clinical testing. Allele origin: germline.

Labcorp Genetics (formerly Invitae), Labcorp
Classification: Uncertain significance. Last evaluated: 2024-11-13. Review status: criteria provided, single submitter. Criteria: Invitae Variant Classification Sherloc (09022015). Collection method: clinical testing. Allele origin: germline.
Comment: This sequence change replaces alanine, which is neutral and non-polar, with threonine, which is neutral and polar, at codon 363 of the GABRB1 protein (p.Ala363Thr). This variant is present in population databases (rs375590397, gnomAD 0.007%). This variant has not been reported in the literature in individuals affected with GABRB1-related conditions. ClinVar contains an entry for this variant (Variation ID: 1915444). Invitae Evidence Modeling of protein sequence and biophysical properties (such as structural, functional, and spatial information, amino acid conservation, physicochemical variation, residue mobility, and thermodynamic stability) indicates that this missense variant is not expected to disrupt GABRB1 protein function with a negative predictive value of 95%. In summary, the available evidence is currently insufficient to determine the role of this variant in disease. Therefore, it has been classified as a Variant of Uncertain Significance.